The following is an entry in ClinVar:

NM_000179.3(MSH6):c.3557-14T>A

Gene: MSH6 (mutS homolog 6; plus strand). Cytogenetic location: 2p16.3.
Variant type: single nucleotide variant.
Coding change: c.3557-14T>A on transcript NM_000179.3 (MANE Select); 14 bases into the intron before coding-DNA position 3557, T replaced by A.
Molecular consequence: intron variant.
Genome position (GRCh38, 1-based): chr2:47,805,604, T>A. VCF-style: chr2-47805604-T-A. GRCh37 (hg19) VCF-style: chr2-48032743-T-A.
Other names: c.3557-14T>A (NM_001406809.1, NM_001406796.1, NM_001406808.1 and 1 more transcripts); c.2651-14T>A (NM_001406811.1, NM_001406814.1, NM_001281493.2 and 6 more transcripts); c.3260-14T>A (NM_001406805.1, NM_001406797.1, NM_001406801.1 and 10 more transcripts); c.3653-14T>A (NM_001406795.1, NM_001406802.1); c.3563-14T>A (NM_001406813.1); c.3032-14T>A (NM_001406807.1, NM_001406799.1, NM_001406806.1); c.3383-14T>A (NM_001406798.1); c.2693-14T>A (NM_001406803.1); and 7 more.
Identifiers: ClinVar variation 3072556 (VCV003072556.1), dbSNP rs1401397727, ClinGen allele CA532354354.

ClinVar aggregate classification (germline): Uncertain significance (1 of 4 stars; one submission).

Conditions:
Lynch syndrome. Identifiers: Orphanet 144, MedGen C4552100, MONDO:0005835. Disease mechanism: loss of function.

Allele frequency attached by ClinVar (database versions not stated): gnomAD exomes below 0.00001.

Submission:

All of Us Research Program, National Institutes of Health
Classification: Uncertain significance for Lynch syndrome. Last evaluated: 2023-08-08. Review status: criteria provided, single submitter. Criteria: ACMG Guidelines, 2015. Collection method: clinical testing. Allele origin: germline. Inheritance: Autosomal dominant inheritance. Observed: 1 variant allele, 1 heterozygote.
Comment: This variant causes a T to A nucleotide substitution at the -14 position of intron 6 of the MSH6 gene. To our knowledge, functional studies have not been reported for this variant. This variant has not been reported in individuals affected with MSH6-related disorders in the literature. This variant has been identified in 1/246330 chromosomes in the general population by the Genome Aggregation Database (gnomAD). The available evidence is insufficient to determine the role of this variant in disease conclusively. Therefore, this variant is classified as a Variant of Uncertain Significance.

This study involves interpretation of variants in research participants for the purpose of population health screening. Participant phenotype was not available at the time of variant classification. Additional details can be found in publication PMID: 35346344, PMCID: PMC8962531